The following is an entry in ClinVar:

NM_000441.2(SLC26A4):c.*614C>T

Gene: SLC26A4 (solute carrier family 26 member 4; plus strand). Cytogenetic location: 7q22.3.
Variant type: single nucleotide variant.
Coding change: c.*614C>T on transcript NM_000441.2 (MANE Select); 614 bases downstream of the stop codon, C replaced by T.
Molecular consequence: 3 prime UTR variant.
Genome position (GRCh38, 1-based): chr7:107,716,060, C>T. VCF-style: chr7-107716060-C-T. GRCh37 (hg19) VCF-style: chr7-107356505-C-T.
Identifiers: ClinVar variation 358510 (VCV000358510.7), dbSNP rs77315223, ClinGen allele CA10625020.

ClinVar aggregate classification (germline): Conflicting classifications of pathogenicity. Review status: criteria provided, conflicting classifications (1 of 4 stars). 3 submissions from 2 submitters: Uncertain significance (1); Benign (1); Likely benign (1). Last evaluated 2021-05-15.

Conditions:
Autosomal recessive nonsyndromic hearing loss 4 (DFNB4). Also called: NEUROSENSORY NONSYNDROMIC RECESSIVE DEAFNESS 4; FOXI1-Related Pendred Syndrome; KCNJ10-Related Pendred Syndrome; DEAFNESS, AUTOSOMAL RECESSIVE 4, WITH ENLARGED VESTIBULAR AQUEDUCT, DIGENIC; Nonsyndromic enlarged vestibular aqueduct (NSEVA); Deafness, autosomal recessive 4, with enlarged vestibular aqueduct. Identifiers: Orphanet 90636, MedGen C3538946, MONDO:0010933, OMIM 600791.
Pendred syndrome (PDS). Also called: DEAFNESS WITH GOITER; GOITER-DEAFNESS SYNDROME; HYPOTHYROIDISM, CONGENITAL, DUE TO DYSHORMONOGENESIS, 2B; THYROID DYSHORMONOGENESIS 2B; THYROID HORMONOGENESIS, GENETIC DEFECT IN, 2B; Pendred's syndrome. Identifiers: Orphanet 705, MedGen C0271829, MONDO:0010134, OMIM 274600.

Allele frequency attached by ClinVar (database versions not stated): TOPMed 0.00796; gnomAD 0.00874 and 0.00903; gnomAD exomes 0.00877; 1000 Genomes Project 0.01218; 1000 Genomes Project 30x 0.01218.
gnomAD v4.1: 1,353 of 152,254 alleles (0.89%); highest among the groups gnomAD compares: East Asian, 5.7%; 33 homozygotes.

Submissions (3):

GeneDx
Classification: Benign. Last evaluated: 2021-05-15. Review status: criteria provided, single submitter. Criteria: GeneDx Variant Classification Process June 2021. Collection method: clinical testing. Allele origin: germline. Affected: yes.

Illumina Laboratory Services, Illumina
Classification: Likely benign for Pendred syndrome. Last evaluated: 2018-01-12. Review status: criteria provided, single submitter. Criteria: ICSL Variant Classification Criteria 13 December 2019. Collection method: clinical testing. Allele origin: germline.
Comment: This variant was observed in the ICSL laboratory as part of a predisposition screen in an ostensibly healthy population. It had not been previously curated by ICSL or reported in the Human Gene Mutation Database (HGMD: prior to June 1st, 2018), and was therefore a candidate for classification through an automated scoring system. Utilizing variant allele frequency, disease prevalence and penetrance estimates, and inheritance mode, an automated score was calculated to assess if this variant is too frequent to cause the disease. Based on the score and internal cut-off values, a variant classified as likely benign is not then subjected to further curation. The score for this variant resulted in a classification of likely benign for this disease.

Illumina Laboratory Services, Illumina
Classification: Uncertain significance for Autosomal recessive nonsyndromic hearing loss 4. Last evaluated: 2018-01-12. Review status: criteria provided, single submitter. Criteria: ICSL Variant Classification Criteria 13 December 2019. Collection method: clinical testing. Allele origin: germline.